The following is an entry in ClinVar:

NM_000540.3(RYR1):c.14249A>T (p.Glu4750Val)

Gene: RYR1 (ryanodine receptor 1; plus strand). Cytogenetic location: 19q13.2.
Variant type: single nucleotide variant.
Coding change: c.14249A>T on transcript NM_000540.3 (MANE Select); coding-DNA position 14249, A replaced by T.
Protein change: p.Glu4750Val; replaces glutamic acid 4750 with valine.
Molecular consequence: missense variant.
Genome position (GRCh38, 1-based): chr19:38,577,994, A>T. VCF-style: chr19-38577994-A-T. GRCh37 (hg19) VCF-style: chr19-39068634-A-T.
Other names: c.14234A>T, p.Glu4745Val (NM_001042723.2); short protein forms E4745V, E4750V.
Identifiers: ClinVar variation 1334343 (VCV001334343.6), dbSNP rs1002217883, ClinGen allele CA308120110.
Genomic context (GRCh38, chr19:38,577,994, plus strand): 5'-GGGACATCTACGGGCGGGAGCGGATTGCTGAGCTACTGGGCATGGACCTGGCCACACTAG[A>T]GATCACAGCCCACAATGAGCGCAAGCCCAACCCGCCGCCAGGGCTGCTGACCTGGTGAGC-3'
Protein context (NP_000531.2, residues 4740-4760): ELLGMDLATL[Glu4750Val]ITAHNERKPN

ClinVar aggregate classification (germline): Uncertain significance. Review status: criteria provided, multiple submitters, no conflicts (2 of 4 stars). 3 submissions from 3 submitters: Uncertain significance (3). Last evaluated 2026-06-09.

Conditions:
Inborn genetic diseases. Identifiers: MedGen C0950123, MeSH D030342.
Malignant hyperthermia, susceptibility to, 1 (MHS1). Also called: RYR1-Related Malignant Hyperthermia Susceptibility; Malignant hyperthermia suceptibility 1; Anesthesia related hyperthermia; Malignant hyperpyrexia; Fulminating hyperpyrexia; Pharmacogenic myopathy. Identifiers: Orphanet 423, MedGen C2930980, MONDO:0007783, OMIM 145600.

Submissions (3):

Ambry Genetics
Classification: Uncertain significance for Inborn genetic diseases. Last evaluated: 2026-06-09. Review status: criteria provided, single submitter. Criteria: Ambry Variant Classification Scheme 2023. Collection method: clinical testing. Allele origin: germline.

All of Us Research Program, National Institutes of Health
Classification: Uncertain significance for Malignant hyperthermia, susceptibility to, 1. Last evaluated: 2023-09-17. Review status: criteria provided, single submitter. Criteria: ACMG Guidelines, 2015. Collection method: clinical testing. Allele origin: germline. Inheritance: Autosomal dominant inheritance. Observed: 1 variant allele, 1 heterozygote.
Comment: This missense variant replaces glutamic acid with valine at codon 4750 of the RYR1 protein. Computational prediction is inconclusive regarding the impact of this variant on protein structure and function (internally defined REVEL score threshold 0.5 < inconclusive < 0.7, PMID: 27666373). To our knowledge, functional studies have not been reported for this variant. This variant has not been reported in individuals affected with RYR1-related disorders in the literature. This variant has not been identified in the general population by the Genome Aggregation Database (gnomAD). The available evidence is insufficient to determine the role of this variant in disease conclusively. Therefore, this variant is classified as a Variant of Uncertain Significance.

This study involves interpretation of variants in research participants for the purpose of population health screening. Participant phenotype was not available at the time of variant classification. Additional details can be found in publication PMID: 35346344, PMCID: PMC8962531

GeneDx
Classification: Uncertain significance. Last evaluated: 2022-01-03. Review status: criteria provided, single submitter. Criteria: GeneDx Variant Classification Process June 2021. Collection method: clinical testing. Allele origin: germline. Affected: yes.
Comment: Not observed at significant frequency in large population cohorts (gnomAD); In silico analysis supports that this missense variant has a deleterious effect on protein structure/function; Has not been previously published as pathogenic or benign to our knowledge